The following is an entry in ClinVar:

NC_000023.10:g.(?_153577197)_(153609577_?)dup

Genes: EMD (emerin; plus strand), FLNA (filamin A; minus strand). Cytogenetic location: Xq28.
Variant type: Duplication.
Identifiers: ClinVar variation 584217 (VCV000584217.2).

ClinVar aggregate classification (germline): Uncertain significance (1 of 4 stars; one submission).

Conditions:
Heterotopia, periventricular, X-linked dominant (PVNH1). Also called: PERIVENTRICULAR NODULAR HETEROTOPIA 4; HETEROTOPIA, PERIVENTRICULAR, 1; PERIVENTRICULAR NODULAR HETEROTOPIA 1; X-linked periventricular heterotopia. Identifiers: Orphanet 2149, Orphanet 82004, MedGen C1848213, MONDO:0010233, OMIM 300049.
Melnick-Needles syndrome (MNS). Also called: Melnick-Needles Syndrome (FLNA-MNS); MELNICK-NEEDLES OSTEODYSPLASTY; OSTEODYSPLASTY OF MELNICK AND NEEDLES. Identifiers: Orphanet 2484, MedGen C0025237, MONDO:0010650, OMIM 309350.
Oto-palato-digital syndrome, type II (OPD2). Also called: Otopalatodigital Syndrome Type 2 (FLNA-OPD2); Otopalatodigital Syndrome, Type II; FACIOPALATOOSSEOUS SYNDROME; OPD II SYNDROME. Identifiers: Orphanet 669, Orphanet 90652, MedGen C1844696, MONDO:0010571, OMIM 304120.
Frontometaphyseal dysplasia 1 (FMD1). Also called: Frontometaphyseal Dysplasia (FLNA-FMD). Identifiers: Orphanet 1826, MedGen C4281559, MONDO:0024550, OMIM 305620.

Submission:

Labcorp Genetics (formerly Invitae), Labcorp
Classification: Uncertain significance for Oto-palato-digital syndrome, type II; Periventricular nodular heterotopia 1; Frontometaphyseal dysplasia; Melnick-Needles syndrome. Last evaluated: 2018-08-13. Review status: criteria provided, single submitter. Criteria: Invitae Variant Classification Sherloc (09022015). Collection method: clinical testing. Allele origin: germline.
Comment: This variant results in a copy number gain of the genomic region encompassing the full coding sequence of the FLNA gene. The boundaries of this event are unknown as they extend beyond the assayed region for this gene and therefore may encompass additional genes. As the precise location of this event is unknown, it may be in tandem or it may be located elsewhere in the genome. This variant has been reported in two families affected withÂ¬â€ patent ductus arteriosus and intestinal obstructionÂ¬â€ (PMID:Â¬â€ 18854860). In summary, the available evidence is currently insufficient to determine the role of this variant in disease. Therefore, it has been classified as a Variant of Uncertain Significance.